The following is an entry in ClinVar:

NM_001256071.3(RNF213):c.2986G>A (p.Glu996Lys)

Gene: RNF213 (ring finger protein 213; plus strand). Cytogenetic location: 17q25.3.
Variant type: single nucleotide variant.
Coding change: c.2986G>A on transcript NM_001256071.3 (MANE Select); coding-DNA position 2986, G replaced by A.
Protein change: p.Glu996Lys; replaces glutamic acid 996 with lysine.
Molecular consequence: missense variant.
Genome position (GRCh38, 1-based): chr17:80,319,274, G>A. VCF-style: chr17-80319274-G-A. GRCh37 (hg19) VCF-style: chr17-78293074-G-A.
Other names: c.3133G>A, p.Glu1045Lys (NM_001410195.1, NM_020914.5); c.2986G>A, p.Glu996Lys (NM_020954.4); short protein forms E1045K, E996K.
Identifiers: ClinVar variation 1708929 (VCV001708929.2), dbSNP rs1368310670, ClinGen allele CA401377591.

ClinVar aggregate classification (germline): Uncertain significance (1 of 4 stars; one submission).

Allele frequency attached by ClinVar (database versions not stated): gnomAD exomes below 0.00001.
gnomAD v4.1: 3 of 1,614,162 alleles (0.00019%); highest among the groups gnomAD compares: Non-Finnish European, 0.00025%; no homozygotes.

Submission:

GeneDx
Classification: Uncertain significance. Last evaluated: 2022-04-05. Review status: criteria provided, single submitter. Criteria: GeneDx Variant Classification Process June 2021. Collection method: clinical testing. Allele origin: germline. Affected: yes.
Comment: Not observed at significant frequency in large population cohorts (gnomAD); In silico analysis supports that this missense variant has a deleterious effect on protein structure/function; This variant is associated with the following publications: (PMID: 29387438, 30671466)